The following is an entry in ClinVar:

ClinVar aggregate classification (germline): Benign/Likely benign. Review status: criteria provided, multiple submitters, no conflicts (2 of 4 stars). 2 submissions from 2 submitters: Benign (1); Likely benign (1). Last evaluated 2024-08-09.

Conditions:
Familial cancer of breast. Also called: BREAST CANCER, FAMILIAL; Hereditary breast cancer; hereditary breast carcinoma. Identifiers: Orphanet 227535, MedGen C0346153, MONDO:0016419, OMIM 114480. Disease mechanism: loss of function.
Fanconi anemia complementation group J. Also called: BRIP1-Related Fanconi Anemia. Identifiers: Orphanet 84, MedGen C1836860, MONDO:0012187, OMIM 609054.

Submissions (2):

Myriad Genetics, Inc.
Classification: Benign for Familial cancer of breast. Last evaluated: 2024-08-09. Review status: criteria provided, single submitter. Criteria: Myriad Autosomal Dominant, Autosomal Recessive and X-Linked Classification Criteria (2023). Collection method: clinical testing. Allele origin: unknown.
Comment: This variant is considered benign. This variant is a silent/synonymous amino acid change and it is not expected to impact splicing.

Labcorp Genetics (formerly Invitae), Labcorp
Classification: Likely benign for Familial cancer of breast; Fanconi anemia complementation group J. Last evaluated: 2020-01-28. Review status: criteria provided, single submitter. Criteria: Invitae Variant Classification Sherloc (09022015). Collection method: clinical testing. Allele origin: germline.

NM_032043.3(BRIP1):c.168A>G (p.Leu56=)

Gene: BRIP1 (BRCA1 interacting DNA helicase 1; minus strand). Cytogenetic location: 17q23.2.
Variant type: single nucleotide variant.
Coding change: c.168A>G on transcript NM_032043.3 (MANE Select); coding-DNA position 168, A replaced by G.
Protein change: p.Leu56=; no amino-acid change (leucine 56 retained).
Molecular consequence: synonymous variant.
Genome position (GRCh38, 1-based): chr17:61,859,833, T>C on the plus strand (A>G on the coding strand, the complement: BRIP1 is on the minus strand). VCF-style: chr17-61859833-T-C. GRCh37 (hg19) VCF-style: chr17-59937194-T-C.
Identifiers: ClinVar variation 1149706 (VCV001149706.6), dbSNP rs2145850652, ClinGen allele CA501151646.